The following is an entry in ClinVar:

NM_001349338.3(FOXP1):c.221A>C (p.Gln74Pro)

Gene: FOXP1 (forkhead box P1; minus strand). Cytogenetic location: 3p13.
Variant type: single nucleotide variant.
Coding change: c.221A>C on transcript NM_001349338.3 (MANE Select); coding-DNA position 221, A replaced by C.
Protein change: p.Gln74Pro; replaces glutamine 74 with proline.
Molecular consequence: missense variant. On other transcripts: 5 prime UTR variant (5), non-coding transcript variant (2).
Genome position (GRCh38, 1-based): chr3:71,112,597, T>G on the plus strand (A>C on the coding strand, the complement: FOXP1 is on the minus strand). VCF-style: chr3-71112597-T-G. GRCh37 (hg19) VCF-style: chr3-71161748-T-G.
Other names: c.221A>C, p.Gln74Pro (NM_001244808.3, NM_001244810.2, NM_001244812.3 and 5 more transcripts); c.-80A>C (NM_001244815.2, NM_001349337.2, NM_001349342.3 and 2 more transcripts); short protein forms Q74P.
Identifiers: ClinVar variation 3369273 (VCV003369273.1).

ClinVar aggregate classification (germline): Uncertain significance (1 of 4 stars; one submission).

Submission:

GeneDx
Classification: Uncertain significance. Last evaluated: 2024-02-15. Review status: criteria provided, single submitter. Criteria: GeneDx Variant Classification Process June 2021. Collection method: clinical testing. Allele origin: germline. Affected: yes.
Comment: Not observed at significant frequency in large population cohorts (gnomAD); In silico analysis supports that this missense variant has a deleterious effect on protein structure/function; Has not been previously published as pathogenic or benign to our knowledge